The following is an entry in ClinVar:

NM_001386393.1(PANK2):c.806del (p.Asp268_Leu269insTer)

Gene: PANK2 (pantothenate kinase 2; plus strand). Cytogenetic location: 20p13.
Variant type: Deletion.
Coding change: c.806del on transcript NM_001386393.1 (MANE Select); coding-DNA position 806, one base deleted (T; older notation c.806delT).
Protein change: p.Asp268_Leu269insTer.
Molecular consequence: nonsense. On other transcripts: 5 prime UTR variant (1), non-coding transcript variant (1).
Genome position (GRCh38, 1-based): chr20:3,910,731, T deleted; the last of 3 consecutive T bases (chr20:3,910,729-3,910,731); deleting any one gives the same sequence. VCF-style (leftmost placement, unchanged base first): chr20-3910728-AT-A. GRCh37 (hg19) VCF-style: chr20-3891375-AT-A.
Other names: c.263del, p.Asp87_Leu88insTer (NM_001324191.2, NM_024960.6, NM_153640.4); c.-173del (NM_001324193.2); c.1136del, p.Asp378_Leu379insTer (NM_153638.4).
Identifiers: ClinVar variation 2740176 (VCV002740176.3), dbSNP rs2515500031, ClinGen allele CA2697547289.

ClinVar aggregate classification (germline): Pathogenic (1 of 4 stars; one submission).

Conditions:
Pigmentary pallidal degeneration (NBIA1). Also called: Neurodegeneration with brain iron accumulation 1; HARP SYNDROME; PKAN NEUROAXONAL DYSTROPHY, JUVENILE-ONSET; Pantothenate Kinase-Associated Neurodegeneration; Neuroaxonal dystrophy, late infantile; Hallervorden-Spatz disease. Identifiers: Orphanet 157850, MedGen C0018523, MONDO:0009319, OMIM 234200.

Submission:

Labcorp Genetics (formerly Invitae), Labcorp
Classification: Pathogenic for Pigmentary pallidal degeneration. Last evaluated: 2023-07-09. Review status: criteria provided, single submitter. Criteria: Invitae Variant Classification Sherloc (09022015). Collection method: clinical testing. Allele origin: germline.
Comment: For these reasons, this variant has been classified as Pathogenic. This variant has not been reported in the literature in individuals affected with PANK2-related conditions. This variant is not present in population databases (gnomAD no frequency). This sequence change creates a premature translational stop signal (p.Leu379*) in the PANK2 gene. It is expected to result in an absent or disrupted protein product. Loss-of-function variants in PANK2 are known to be pathogenic (PMID: 11479594, 12510040).

Literature cited by the submitters: PubMed 11479594; PubMed 12510040.